The following is an entry in ClinVar:

NM_018993.4(RIN2):c.271C>T (p.Leu91Phe)

Gene: RIN2 (Ras and Rab interactor 2; plus strand). Cytogenetic location: 20p11.23.
Variant type: single nucleotide variant.
Coding change: c.271C>T on transcript NM_018993.4 (MANE Select); coding-DNA position 271, C replaced by T.
Protein change: p.Leu91Phe; replaces leucine 91 with phenylalanine.
Molecular consequence: missense variant. On other transcripts: 5 prime UTR variant (1).
Genome position (GRCh38, 1-based): chr20:19,956,727, C>T. VCF-style: chr20-19956727-C-T. GRCh37 (hg19) VCF-style: chr20-19937371-C-T.
Other names: c.418C>T, p.Leu140Phe (NM_001242581.2); c.-275C>T (NM_001378238.1); short protein forms L140F, L91F.
Identifiers: ClinVar variation 4760026 (VCV004760026.1).

ClinVar aggregate classification (germline): Uncertain significance (1 of 4 stars; one submission).

gnomAD v4.1: 1 of 1,610,618 alleles (0.000062%); highest among the groups gnomAD compares: South Asian, 0.0011%; no homozygotes.

Submission:

Labcorp Genetics (formerly Invitae), Labcorp
Classification: Uncertain significance. Last evaluated: 2025-08-31. Review status: criteria provided, single submitter. Criteria: Invitae Variant Classification Sherloc (09022015). Collection method: clinical testing. Allele origin: germline.
Comment: This sequence change replaces leucine, which is neutral and non-polar, with phenylalanine, which is neutral and non-polar, at codon 91 of the RIN2 protein (p.Leu91Phe). The frequency data for this variant in the population databases is considered unreliable, as metrics indicate poor data quality at this position in the gnomAD database. This variant has not been reported in the literature in individuals affected with RIN2-related conditions. Experimental studies and prediction algorithms are not available or were not evaluated, and the functional significance of this variant is currently unknown. In summary, the available evidence is currently insufficient to determine the role of this variant in disease. Therefore, it has been classified as a Variant of Uncertain Significance.